The following is an entry in ClinVar:

ClinVar aggregate classification (germline): Uncertain significance. Review status: criteria provided, multiple submitters, no conflicts (2 of 4 stars). 2 submissions from 2 submitters: Uncertain significance (2). Last evaluated 2023-08-04.

Allele frequency attached by ClinVar (database versions not stated): gnomAD 0.00002 and 0.00003; TOPMed 0.00002.

Submissions (2):

Labcorp Genetics (formerly Invitae), Labcorp
Classification: Uncertain significance. Last evaluated: 2023-08-04. Review status: criteria provided, single submitter. Criteria: Invitae Variant Classification Sherloc (09022015). Collection method: clinical testing. Allele origin: germline.
Comment: This missense change has been observed in individual(s) with clinical features of VCAN-related conditions (Invitae). ClinVar contains an entry for this variant (Variation ID: 1004334). An algorithm developed to predict the effect of missense changes on protein structure and function (PolyPhen-2) suggests that this variant is likely to be tolerated. In summary, the available evidence is currently insufficient to determine the role of this variant in disease. Therefore, it has been classified as a Variant of Uncertain Significance. This variant is not present in population databases (gnomAD no frequency). This sequence change replaces aspartic acid, which is acidic and polar, with histidine, which is basic and polar, at codon 2338 of the VCAN protein (p.Asp2338His).

Blueprint Genetics
Classification: Uncertain significance. Last evaluated: 2021-08-27. Review status: criteria provided, single submitter. Criteria: ACMG Guidelines, 2015. Collection method: clinical testing. Allele origin: germline.

NM_004385.5(VCAN):c.7012G>C (p.Asp2338His)

Genes: VCAN (versican; plus strand), VCAN-AS1 (VCAN antisense RNA 1; minus strand). Cytogenetic location: 5q14.3.
Variant type: single nucleotide variant.
Coding change: c.7012G>C on transcript NM_004385.5 (MANE Select); coding-DNA position 7012, G replaced by C.
Protein change: p.Asp2338His; replaces aspartic acid 2338 with histidine.
Molecular consequence: missense variant. On other transcripts: intron variant (2).
Genome position (GRCh38, 1-based): chr5:83,540,015, G>C. VCF-style: chr5-83540015-G-C. GRCh37 (hg19) VCF-style: chr5-82835834-G-C.
Other names: c.4051G>C, p.Asp1351His (NM_001164097.2); c.4004-5522G>C (NM_001164098.2); c.1043-5522G>C (NM_001126336.3); short protein forms D1351H, D2338H.
Identifiers: ClinVar variation 1004334 (VCV001004334.11), dbSNP rs1012920717, ClinGen allele CA121810655.